The following is an entry in ClinVar:

NC_012920.1(MT-CO3):m.9368A>G

Gene: MT-CO3 (mitochondrially encoded cytochrome c oxidase III; plus strand).
Variant type: single nucleotide variant.
Genome position: chrM-9368-A-G.
Identifiers: ClinVar variation 235541 (VCV000235541.3), dbSNP rs386829076, ClinGen allele CA10581349.
Genomic context (GRCh38, chrMT:9,368, plus strand): 5'-ATTTCACTTCCACTCCATAACGCTCCTCATACTAGGCCTACTAACCAACACACTAACCAT[A>G]TACCAATGATGGCGCGATGTAACACGAGAAAGCACATACCAAGGCCACCACACACCACCT-3'

ClinVar aggregate classification (germline): Likely benign (1 of 4 stars; one submission).

Submission:

Center for Pediatric Genomic Medicine, Children's Mercy Hospital and Clinics
Classification: Likely benign. Last evaluated: 2015-10-09. Review status: criteria provided, single submitter. Criteria: ACMG Guidelines, 2015. Collection method: clinical testing. Allele origin: germline.
ClinVar note: Converted during submission from Likely Benign to Likely benign.